The following is an entry in ClinVar:

ClinVar aggregate classification (germline): Uncertain significance. Review status: criteria provided, multiple submitters, no conflicts (2 of 4 stars). 4 submissions from 4 submitters: Uncertain significance (4). Last evaluated 2024-09-08.

Conditions:
Cardiomyopathy (CMYO). Also called: Cardiomyopathies. Identifiers: Orphanet 167848, MedGen C0878544, MONDO:0004994, HP:0001638. Inheritance: Various modes of inheritance.
Arrhythmogenic right ventricular dysplasia 11. Also called: Arrhythmogenic right ventricular dysplasia 11 with mild palmoplantar keratoderma and woolly hair; Arrhythmogenic Right Ventricular Dysplasia/Cardiomyopathy11; ARRHYTHMOGENIC RIGHT VENTRICULAR DYSPLASIA, FAMILIAL, 11. Identifiers: MedGen C1864850, MONDO:0012506, OMIM 610476.
Familial isolated arrhythmogenic right ventricular dysplasia. Identifiers: Orphanet 217656, MedGen C4274968, MONDO:0016342.
Cardiovascular phenotype. Identifiers: MedGen CN230736.

Allele frequency attached by ClinVar (database versions not stated): gnomAD exomes 0.00001; TOPMed below 0.00001.
gnomAD v4.1: 8 of 1,613,388 alleles (0.0005%); highest among the groups gnomAD compares: South Asian, 0.0077%; no homozygotes.

Submissions (4):

Ambry Genetics
Classification: Uncertain significance for Cardiovascular phenotype. Last evaluated: 2024-09-08. Review status: criteria provided, single submitter. Criteria: Ambry Variant Classification Scheme 2023. Collection method: clinical testing. Allele origin: germline.
Comment: The p.T247N variant (also known as c.740C>A), located in coding exon 6 of the DSC2 gene, results from a C to A substitution at nucleotide position 740. The threonine at codon 247 is replaced by asparagine, an amino acid with similar properties. This amino acid position is conserved. In addition, this alteration is predicted to be tolerated by in silico analysis. Based on the available evidence, the clinical significance of this variant remains unclear.

All of Us Research Program, National Institutes of Health
Classification: Uncertain significance for Familial isolated arrhythmogenic right ventricular dysplasia. Last evaluated: 2024-08-06. Review status: criteria provided, single submitter. Criteria: ACMG Guidelines, 2015. Collection method: clinical testing. Allele origin: germline. Inheritance: Autosomal dominant inheritance. Observed: 2 variant alleles, 2 heterozygotes.
Comment: Variant of Uncertain Significance due to insufficient evidence: This missense variant is located in the extracellular cadherin domain 2 of the DSC2 protein. Computational prediction tools and conservation analyses suggest that this variant may not impact the protein function. Computational splicing tools suggest that this variant may not impact RNA splicing. To our knowledge, functional assays have not been performed for this variant nor has this variant been reported in individuals affected with cardiovascular disorders in the literature. This variant has been identified in 2/245680 chromosomes in the general population by the Genome Aggregation Database (gnomAD). Available evidence is insufficient to determine the pathogenicity of this variant conclusively.

This study involves interpretation of variants in research participants for the purpose of population health screening. Participant phenotype was not available at the time of variant classification. Additional details can be found in publication PMID: 35346344, PMCID: PMC8962531

Labcorp Genetics (formerly Invitae), Labcorp
Classification: Uncertain significance for Arrhythmogenic right ventricular dysplasia 11. Last evaluated: 2024-05-14. Review status: criteria provided, single submitter. Criteria: Invitae Variant Classification Sherloc (09022015). Collection method: clinical testing. Allele origin: germline.
Comment: This sequence change replaces threonine, which is neutral and polar, with asparagine, which is neutral and polar, at codon 247 of the DSC2 protein (p.Thr247Asn). This variant is present in population databases (no rsID available, gnomAD 0.006%). This variant has not been reported in the literature in individuals affected with DSC2-related conditions. ClinVar contains an entry for this variant (Variation ID: 629684). Advanced modeling of protein sequence and biophysical properties (such as structural, functional, and spatial information, amino acid conservation, physicochemical variation, residue mobility, and thermodynamic stability) performed at Invitae indicates that this missense variant is not expected to disrupt DSC2 protein function with a negative predictive value of 80%. In summary, the available evidence is currently insufficient to determine the role of this variant in disease. Therefore, it has been classified as a Variant of Uncertain Significance.

Color Diagnostics, LLC DBA Color Health
Classification: Uncertain significance for Cardiomyopathy. Last evaluated: 2024-03-06. Review status: criteria provided, single submitter. Criteria: ACMG Guidelines, 2015. Collection method: clinical testing. Allele origin: germline.
Comment: This missense variant replaces threonine with asparagine at codon 247 of the DSC2 protein. Computational prediction suggests that this variant may not impact protein structure and function (internally defined REVEL score threshold <= 0.5, PMID: 27666373). To our knowledge, functional studies have not been reported for this variant. This variant has not been reported in individuals affected with cardiovascular disorders in the literature. This variant has been identified in 2/250846 chromosomes in the general population by the Genome Aggregation Database (gnomAD). The available evidence is insufficient to determine the role of this variant in disease conclusively. Therefore, this variant is classified as a Variant of Uncertain Significance.

NM_024422.6(DSC2):c.740C>A (p.Thr247Asn)

Gene: DSC2 (desmocollin 2; minus strand). Cytogenetic location: 18q12.1.
Variant type: single nucleotide variant.
Coding change: c.740C>A on transcript NM_024422.6 (MANE Select); coding-DNA position 740, C replaced by A.
Protein change: p.Thr247Asn; replaces threonine 247 with asparagine.
Molecular consequence: missense variant.
Genome position (GRCh38, 1-based): chr18:31,087,704, G>T on the plus strand (C>A on the coding strand, the complement: DSC2 is on the minus strand). VCF-style: chr18-31087704-G-T. GRCh37 (hg19) VCF-style: chr18-28667667-G-T.
Other names: c.740C>A, p.Thr247Asn (NM_004949.5); short protein forms T247N.
Identifiers: ClinVar variation 629684 (VCV000629684.9), dbSNP rs1171077859, ClinGen allele CA402112700.